The following is an entry in ClinVar:

ClinVar aggregate classification (germline): Pathogenic. Review status: criteria provided, multiple submitters, no conflicts (2 of 4 stars). 2 submissions from 2 submitters: Pathogenic (2). Last evaluated 2023-04-26.

Conditions:
ABCA4-related disorder. Also called: ABCA4-related disorders; ABCA4-related condition. Identifiers: MedGen CN239167.

Submissions (2):

Blueprint Genetics
Classification: Pathogenic for ABCA4-related disorders. Last evaluated: 2023-04-26. Review status: criteria provided, single submitter. Criteria: ACMG Guidelines, 2015. Collection method: clinical testing. Allele origin: germline. Affected: yes. Observed: 4 variant alleles.

GeneDx
Classification: Pathogenic. Last evaluated: 2016-08-18. Review status: criteria provided, single submitter. Criteria: GeneDx Variant Classification (06012015). Collection method: clinical testing. Allele origin: germline. Affected: yes.
Comment: The E1252X nonsense variant in the ABCA4 gene has been reported previously in association with Stargardt disease (Rozet et al., 1998). This variant is predicted to cause loss of normal protein function either through protein truncation or nonsense-mediated mRNA decay. The c.6816+1 G>A splice site variant is expected to destroy the canonical splice donor site in intron 49, and to cause abnormal gene splicing. This is expected to lead to either an abnormal message which is subject to nonsense-mediated mRNA decay or to abnormal protein product if the message is used for protein translation. Although this variant has not been reported previously to our knowledge, we interpret it as pathogenic.

NM_000350.3(ABCA4):c.6816+1G>A

Gene: ABCA4 (ATP binding cassette subfamily A member 4; minus strand). Cytogenetic location: 1p22.1.
Variant type: single nucleotide variant.
Coding change: c.6816+1G>A on transcript NM_000350.3 (MANE Select); the canonical splice donor site of the intron after coding-DNA position 6816, G replaced by A.
Molecular consequence: splice donor variant.
Genome position (GRCh38, 1-based): chr1:93,996,108, C>T on the plus strand (G>A on the coding strand, the complement: ABCA4 is on the minus strand). VCF-style: chr1-93996108-C-T. GRCh37 (hg19) VCF-style: chr1-94461664-C-T.
Identifiers: ClinVar variation 372292 (VCV000372292.3), dbSNP rs773599043, ClinGen allele CA16042403.